The following is an entry in ClinVar:

NM_000152.5(GAA):c.448G>A (p.Ala150Thr)

Gene: GAA (alpha glucosidase; plus strand). Cytogenetic location: 17q25.3.
Variant type: single nucleotide variant.
Coding change: c.448G>A on transcript NM_000152.5 (MANE Select); coding-DNA position 448, G replaced by A.
Protein change: p.Ala150Thr; replaces alanine 150 with threonine.
Molecular consequence: missense variant.
Genome position (GRCh38, 1-based): chr17:80,105,034, G>A. VCF-style: chr17-80105034-G-A. GRCh37 (hg19) VCF-style: chr17-78078833-G-A.
Other names: c.448G>A (LRG_673t1); c.448G>A, p.Ala150Thr (NM_001079803.3, NM_001079804.3); short protein forms A150T.
Identifiers: ClinVar variation 665217 (VCV000665217.13), dbSNP rs991177340, ClinGen allele CA294887248.
Genomic context (GRCh38, chr17:80,105,034, plus strand): 5'-CCACCCAGCTACCCCAGCTACAAGCTGGAGAACCTGAGCTCCTCTGAAATGGGCTACACG[G>A]CCACCCTGACCCGTACCACCCCCACCTTCTTCCCCAAGGACATCCTGACCCTGCGGCTGG-3'
Protein context (NP_000143.2, residues 140-160): NLSSSEMGYT[Ala150Thr]TLTRTTPTFF

ClinVar aggregate classification (germline): Uncertain significance. Review status: criteria provided, multiple submitters, no conflicts (2 of 4 stars). 3 submissions from 3 submitters: Uncertain significance (2). 1 of the submissions does not count toward it. Last evaluated 2024-09-11.

Conditions:
Glycogen storage disease, type II (IOPD). Also called: Pompe Disease; Glycogen storage disease type 2; Acid maltase deficiency disease; Aglucosidase alfa; Deficiency of alpha-glucosidase; Deficiency of lysosomal alpha-glucosidase. Identifiers: Orphanet 365, MedGen C0017921, MONDO:0009290, OMIM 232300.

Allele frequency attached by ClinVar (database versions not stated): TOPMed 0.00001.

Submissions (3):

Labcorp Genetics (formerly Invitae), Labcorp
Classification: Uncertain significance for Glycogen storage disease, type II. Last evaluated: 2024-09-11. Review status: criteria provided, single submitter. Criteria: Invitae Variant Classification Sherloc (09022015). Collection method: clinical testing. Allele origin: germline.
Comment: This sequence change replaces alanine, which is neutral and non-polar, with threonine, which is neutral and polar, at codon 150 of the GAA protein (p.Ala150Thr). This variant is not present in population databases (gnomAD no frequency). This variant has not been reported in the literature in individuals affected with GAA-related conditions. ClinVar contains an entry for this variant (Variation ID: 665217). Invitae Evidence Modeling of protein sequence and biophysical properties (such as structural, functional, and spatial information, amino acid conservation, physicochemical variation, residue mobility, and thermodynamic stability) indicates that this missense variant is expected to disrupt GAA protein function with a positive predictive value of 95%. In summary, the available evidence is currently insufficient to determine the role of this variant in disease. Therefore, it has been classified as a Variant of Uncertain Significance.

Revvity Omics, Revvity
Classification: Uncertain significance. Last evaluated: 2022-01-06. Review status: criteria provided, single submitter. Criteria: ACMG Guidelines, 2015. Collection method: clinical testing. Allele origin: germline.

Natera, Inc.
Classification: Uncertain significance for Glycogen storage disease type II. Last evaluated: 2021-04-09. Review status: no assertion criteria provided. Collection method: clinical testing. Allele origin: germline. Not counted in ClinVar's aggregate classification.